The following is an entry in ClinVar:

NM_002519.3(NPAT):c.2369T>C (p.Leu790Pro)

Gene: NPAT (nuclear protein, coactivator of histone transcription; minus strand). Cytogenetic location: 11q22.3.
Variant type: single nucleotide variant.
Coding change: c.2369T>C on transcript NM_002519.3 (MANE Select); coding-DNA position 2369, T replaced by C.
Protein change: p.Leu790Pro; replaces leucine 790 with proline.
Molecular consequence: missense variant.
Genome position (GRCh38, 1-based): chr11:108,172,615, A>G on the plus strand (T>C on the coding strand, the complement: NPAT is on the minus strand). VCF-style: chr11-108172615-A-G. GRCh37 (hg19) VCF-style: chr11-108043342-A-G.
Other names: c.2369T>C, p.Leu790Pro (NM_001321307.1); short protein forms L790P.
Identifiers: ClinVar variation 3222522 (VCV003222522.1), dbSNP rs2496717526, ClinGen allele CA382513125.
Genomic context (GRCh38, chr11:108,172,615, plus strand): 5'-ATTGAGGCTGAATCCCCTACTTCGGCATATACAACAGCACCTACAGTTTCTTCTGAAGAT[A>G]GGCATTTAACTAGTTCTGCATTTTTAGTAGGTGATTTAGTAGGAGAAGACAAGATTATAG-3'
Protein context (NP_002510.2, residues 780-800): PTKNAELVKC[Leu790Pro]SSEETVGAVV

ClinVar aggregate classification (germline): Uncertain significance (1 of 4 stars; one submission).

Submission:

Ambry Genetics
Classification: Uncertain significance. Last evaluated: 2024-02-10. Review status: criteria provided, single submitter. Criteria: Ambry Variant Classification Scheme 2023. Collection method: clinical testing. Allele origin: germline.
Comment: The p.L790P variant (also known as c.2369T>C), located in coding exon 13 of the NPAT gene, results from a T to C substitution at nucleotide position 2369. The leucine at codon 790 is replaced by proline, an amino acid with similar properties. This amino acid position is conserved. In addition, this alteration is predicted to be tolerated by in silico analysis. Based on the available evidence, the clinical significance of this alteration remains unclear.